The following continues an entry in ClinVar:

NM_007294.4(BRCA1):c.4675+1G>A

Gene: BRCA1. ClinVar aggregate classification (germline): Pathogenic. Pathogenic (1).

Submissions 10 to 24 of 32:

Ambry Genetics
Classification: Pathogenic for Hereditary cancer-predisposing syndrome. Last evaluated: 2024-11-04. Review status: criteria provided, single submitter. Criteria: Ambry Variant Classification Scheme 2023. Collection method: clinical testing. Allele origin: germline. Not counted in ClinVar's aggregate classification.
Comment: The c.4675+1G>A intronic pathogenic mutation results from a G to A substitution one nucleotide after coding exon 13 of the BRCA1 gene. This mutation has been detected in multiple breast and ovarian cancer families (Zhang S et al. Gynecol. Oncol. 2011 May;121:353-7; Adem C et al. Cancer. 2003 Jan;97:1-11; Maistro S et al. BMC Cancer. 2016 Dec;16:934; Bergthorsson JT et al. J. Med. Genet. 2001 Jun;38(6):361-8; Meisel C et al. Arch. Gynecol. Obstet. 2017 May;295(5):1227-1238). RNA studies have demonstrated that this alteration results in exon skipping of coding exon 13 and/or use of a cryptic donor site resulting in the loss of 11nt of exon 13 (Ambry internal data; Whiley PJ et al. Hum. Mutat. 2011 Jun;32:678-87; Steffensen AY et al. Eur. J. Hum. Genet. 2014 Dec;22:1362-8; Machackova E et al. BMC Cancer. 2008 May;8:140). Based on multifactorial probability modeling, the posterior probability of this mutation being deleterious was calculated to be 1.00 (Lindor NM et al. Hum. Mutat. 2012 Jan;33:8-21). This variant is considered to be rare based on population cohorts in the Genome Aggregation Database (gnomAD). In addition to the clinical data presented in the literature, alterations that disrupt the canonical splice site are expected to cause aberrant splicing, resulting in an abnormal protein or a transcript that is subject to nonsense-mediated mRNA decay. As such, this alteration is classified as pathogenic.

Department of Clinical Genetics, Copenhagen University Hospital, Rigshospitalet
Classification: Pathogenic for Breast-ovarian cancer, familial, susceptibility to, 1. Last evaluated: 2024-05-27. Review status: criteria provided, single submitter. Criteria: ACMG Guidelines, 2015. Collection method: clinical testing. Allele origin: germline. Affected: yes. Not counted in ClinVar's aggregate classification.
Comment: PVS1 (RNA); PM2_Supporting; PP1

Clinical Genetics Laboratory, Skane University Hospital Lund
Classification: Pathogenic. Last evaluated: 2023-10-02. Review status: criteria provided, single submitter. Criteria: ACMG Guidelines, 2015. Collection method: clinical testing. Allele origin: germline. Affected: yes. Not counted in ClinVar's aggregate classification.

All of Us Research Program, National Institutes of Health
Classification: Pathogenic for Breast-ovarian cancer, familial, susceptibility to, 1. Last evaluated: 2023-08-15. Review status: criteria provided, single submitter. Criteria: ACMG Guidelines, 2015. Collection method: clinical testing. Allele origin: germline. Inheritance: Autosomal dominant inheritance. Observed: 1 variant allele, 1 heterozygote. Not counted in ClinVar's aggregate classification.
Comment: This variant causes a G to A nucleotide substitution at the +1 position of intron 14 of the BRCA1 gene. Functional RNA studies have shown that this variant causes skipping of exon 14 (also known as exon 15 in the literature), resulting in frameshift and premature truncation (PMID: 18489799, 21394826, 24667779). This variant is expected to result in an absent or non-functional protein product. This variant has been reported in individuals affected with breast and/or ovarian cancer (PMID: 12491499, 18489799, 21324516, 23767878, 27914478, 28324225). This variant also has been detected in a breast cancer case-control meta-analysis in 2/60466 cases and 0/53461 unaffected individuals (PMID: 33471991; Leiden Open Variation Database DB-ID BRCA1_000330). This variant has not been identified in the general population by the Genome Aggregation Database (gnomAD). Loss of BRCA1 function is a known mechanism of disease. Based on the available evidence, this variant is classified as Pathogenic.

This study involves interpretation of variants in research participants for the purpose of population health screening. Participant phenotype was not available at the time of variant classification. Additional details can be found in publication PMID: 35346344, PMCID: PMC8962531

KCCC/NGS Laboratory, Kuwait Cancer Control Center
Classification: Pathogenic for Breast-ovarian cancer, familial, susceptibility to, 1. Last evaluated: 2023-07-27. Review status: criteria provided, single submitter. Criteria: ACMG Guidelines, 2015. Collection method: clinical testing. Allele origin: germline. Inheritance: Autosomal dominant inheritance. Affected: yes. Observed: 1 heterozygote. Not counted in ClinVar's aggregate classification.
Comment: This sequence change affects a donor splice site in intron 15 of the BRCA1 gene. RNA analysis indicates that disruption of this splice site induces altered splicing and may result in an absent or disrupted protein product. This variant is not present in population databases (gnomAD no frequency) nor in our local database. Disruption of this splice site has been observed in individual(s) with breast and/or ovarian cancer (PMID: 12491499, 18489799, 21324516, 23767878, 27914478, 28324225). ClinVar contains an entry for this variant (Variation ID: 55256) with 21 submissions, all of which describe it as pathogenic, three stars, reviewed by expert panel.  .In silico, predict that this variant has a high probability of being pathogenic (PMID: 21990134). Studies have shown that disruption of this splice site results in exon skipping introduces a premature termination codon (PMID: 18489799, 21394826). For these reasons, this variant has been classified as Pathogenic. ​​​​​​​

Color Diagnostics, LLC DBA Color Health
Classification: Pathogenic for Hereditary cancer-predisposing syndrome. Last evaluated: 2023-06-01. Review status: criteria provided, single submitter. Criteria: ACMG Guidelines, 2015. Collection method: clinical testing. Allele origin: germline. Not counted in ClinVar's aggregate classification.
Comment: This variant causes a G to A nucleotide substitution at the +1 position of intron 14 of the BRCA1 gene. Functional RNA studies have shown that this variant causes skipping of exon 14 (also known as exon 15 in the literature), resulting in frameshift and premature truncation (PMID: 18489799, 21394826, 24667779). This variant is expected to result in an absent or non-functional protein product. This variant has been reported in individuals affected with breast and/or ovarian cancer (PMID: 12491499, 18489799, 21324516, 23767878, 27914478, 28324225). This variant also has been detected in a breast cancer case-control meta-analysis in 2/60466 cases and 0/53461 unaffected individuals (PMID: 33471991; Leiden Open Variation Database DB-ID BRCA1_000330). This variant has not been identified in the general population by the Genome Aggregation Database (gnomAD). Loss of BRCA1 function is a known mechanism of disease. Based on the available evidence, this variant is classified as Pathogenic.

Baylor Genetics
Classification: Pathogenic for Breast-ovarian cancer, familial, susceptibility to, 1. Last evaluated: 2022-09-28. Review status: criteria provided, single submitter. Criteria: ACMG Guidelines, 2015. Collection method: clinical testing. Allele origin: unknown. Not counted in ClinVar's aggregate classification.

Laboratorio de Genetica e Diagnostico Molecular, Hospital Israelita Albert Einstein
Classification: Pathogenic for Breast-ovarian cancer, familial, susceptibility to, 1. Last evaluated: 2022-07-01. Review status: criteria provided, single submitter. Criteria: ACMG Guidelines, 2015. Collection method: clinical testing. Allele origin: germline. Affected: yes. Observed: 1 variant allele. Not counted in ClinVar's aggregate classification.
Comment: ACMG classification criteria: PVS1 very strong, PS3 supporting, PS4 strong, PM2 moderated

AiLife Diagnostics
Classification: Pathogenic. Last evaluated: 2022-02-24. Review status: criteria provided, single submitter. Criteria: ACMG Guidelines, 2015. Collection method: clinical testing. Allele origin: germline. Affected: yes. Observed: 1 variant allele. Not counted in ClinVar's aggregate classification.

Revvity Omics, Revvity
Classification: Pathogenic. Last evaluated: 2022-02-16. Review status: criteria provided, single submitter. Criteria: ACMG Guidelines, 2015. Collection method: clinical testing. Allele origin: germline. Not counted in ClinVar's aggregate classification.

Institute for Clinical Genetics, University Hospital TU Dresden, University Hospital TU Dresden
Classification: Pathogenic. Last evaluated: 2021-11-03. Review status: criteria provided, single submitter. Criteria: ACMG Guidelines, 2015. Collection method: clinical testing. Allele origin: germline. Not counted in ClinVar's aggregate classification.

Laboratory for Molecular Medicine, Mass General Brigham Personalized Medicine
Classification: Pathogenic for Hereditary breast ovarian cancer syndrome. Last evaluated: 2020-06-19. Review status: criteria provided, single submitter. Criteria: ACMG Guidelines, 2015. Collection method: clinical testing. Allele origin: germline. Not counted in ClinVar's aggregate classification.
Comment: The c.4675+1G>A variant in BRCA1 has been reported in over 60 individuals with BRCA1-related cancer (Adem 2003 PMID: 12491499 and at least 17 subsequent publications). It was absent from large population studies. This variant was classified as pathogenic on 08/10/15 by the ClinGen-approved ENIGMA expert panel (Variation ID: 55256). This variant occurs within the canonical splice site (+/- 1,2) and is predicted to cause altered splicing leading to an abnormal or absent protein. Loss of function of the BRCA1 gene is an established disease mechanism in autosomal dominant hereditary breast and ovarian cancer (HBOC). Two additional variants, c.4675+1G>C and c.4675+1G>T, resulting in the same splice site interruption, have been identified in individuals with HBOC and are classified as pathogenic by ClinVar. In summary, this variant meets criteria to be classified as pathogenic for autosomal dominant HBOC. ACMG/AMP Criteria applied: PVS1, PM2, PS4_Strong, PP3.

Fulgent Genetics
Classification: Pathogenic for Familial cancer of breast; Breast-ovarian cancer, familial, susceptibility to, 1; Pancreatic cancer, susceptibility to, 4; Fanconi anemia, complementation group S. Last evaluated: 2018-10-31. Review status: criteria provided, single submitter. Criteria: ACMG Guidelines, 2015. Collection method: clinical testing. Allele origin: unknown. Not counted in ClinVar's aggregate classification.

Mendelics
Classification: Pathogenic for Hereditary breast and ovarian cancer syndrome. Last evaluated: 2018-07-02. Review status: criteria provided, single submitter. Criteria: Mendelics Assertion Criteria 2017. Collection method: clinical testing. Allele origin: unknown. Not counted in ClinVar's aggregate classification.

CeGaT Center for Human Genetics Tuebingen
Classification: Pathogenic. Last evaluated: 2018-05-01. Review status: criteria provided, single submitter. Criteria: CeGaT Center For Human Genetics Tuebingen Variant Classification Criteria Version 2. Collection method: clinical testing. Allele origin: germline. Affected: yes. Observed: 1 variant allele. Not counted in ClinVar's aggregate classification.